The following is an entry in ClinVar:

NM_004369.4(COL6A3):c.6966+4A>C

Gene: COL6A3 (collagen type VI alpha 3 chain; minus strand). Cytogenetic location: 2q37.3.
Variant type: single nucleotide variant.
Coding change: c.6966+4A>C on transcript NM_004369.4 (MANE Select); 4 bases into the intron after coding-DNA position 6966, A replaced by C.
Molecular consequence: intron variant.
Genome position (GRCh38, 1-based): chr2:237,348,345, T>G on the plus strand (A>C on the coding strand, the complement: COL6A3 is on the minus strand). VCF-style: chr2-237348345-T-G. GRCh37 (hg19) VCF-style: chr2-238256988-T-G.
Other names: c.5145+4A>C (NM_057166.5); c.6348+4A>C (NM_057167.4).
Identifiers: ClinVar variation 290524 (VCV000290524.21), dbSNP rs373940717, ClinGen allele CA2187997.

ClinVar aggregate classification (germline): Uncertain significance. Review status: criteria provided, multiple submitters, no conflicts (2 of 4 stars). 3 submissions from 3 submitters: Uncertain significance (3). Last evaluated 2026-01-15.

Conditions:
Bethlem myopathy 1A. Also called: Bethlem Muscular Dystrophy; MYOPATHY, BENIGN CONGENITAL, WITH CONTRACTURES; Bethlem myopathy 1. Identifiers: Orphanet 610, MedGen CN029274, MONDO:0024530, OMIM 158810.

Allele frequency attached by ClinVar (database versions not stated): ExAC 0.00005; gnomAD exomes 0.00006; gnomAD 0.00013 and 0.00014; TOPMed 0.00015; ESP Exome Variant Server 0.00031.

Submissions (5):

Labcorp Genetics (formerly Invitae), Labcorp
Classification: Uncertain significance for Bethlem myopathy 1A. Last evaluated: 2026-01-15. Review status: criteria provided, single submitter. Criteria: Invitae Variant Classification Sherloc (09022015). Collection method: clinical testing. Allele origin: germline.
Comment: This sequence change falls in intron 30 of the COL6A3 gene. It does not directly change the encoded amino acid sequence of the COL6A3 protein. It affects a nucleotide within the consensus splice site. This variant is present in population databases (rs373940717, gnomAD 0.01%). This variant has not been reported in the literature in individuals affected with COL6A3-related conditions. ClinVar contains an entry for this variant (Variation ID: 290524). Variants that disrupt the consensus splice site are a relatively common cause of aberrant splicing (PMID: 17576681, 9536098). Algorithms developed to predict the effect of sequence changes on RNA splicing suggest that this variant may disrupt the consensus splice site. In summary, the available evidence is currently insufficient to determine the role of this variant in disease. Therefore, it has been classified as a Variant of Uncertain Significance.

GeneDx
Classification: Uncertain significance. Last evaluated: 2025-02-17. Review status: criteria provided, single submitter. Criteria: GeneDx Variant Classification Process June 2021. Collection method: clinical testing. Allele origin: germline. Affected: yes.
Comment: Has not been previously published as pathogenic or benign to our knowledge; In silico analysis suggests this variant may impact gene splicing. In the absence of RNA/functional studies, the actual effect of this sequence change is unknown.; This variant is associated with the following publications: (PMID: 30564623)

Eurofins Ntd Llc (ga)
Classification: Uncertain significance. Last evaluated: 2016-08-18. Review status: criteria provided, single submitter. Criteria: EGL Classification Definitions 2015. Collection method: clinical testing. Allele origin: germline. Observed: 1 variant allele, 1 heterozygote.

Dr. Peter K. Rogan Lab, Western University
No classification provided (evidence only). Condition: Melanoma. Review status: no classification provided. Collection method: in vitro. Allele origin: not applicable. Functional consequence: retained intron. Not counted in ClinVar's aggregate classification.

Dr. Peter K. Rogan Lab, Western University
No classification provided (evidence only). Condition: Melanoma. Review status: no classification provided. Collection method: in vitro. Allele origin: not applicable. Functional consequence: retained intron. Not counted in ClinVar's aggregate classification.

Literature cited by the submitters: PubMed 17576681 (cited by Labcorp Genetics (formerly Invitae), Labcorp); PubMed 9536098 (cited by Labcorp Genetics (formerly Invitae), Labcorp).